The following is an entry in ClinVar:

ClinVar aggregate classification (germline): Uncertain significance (1 of 4 stars; one submission).

Allele frequency attached by ClinVar (database versions not stated): gnomAD exomes 0.00002; TOPMed 0.00002; ExAC 0.00003; gnomAD 0.00003.
gnomAD v4.1: 38 of 1,613,972 alleles (0.0024%); highest among the groups gnomAD compares: Admixed American, 0.0083%; no homozygotes.

Submission:

Labcorp Genetics (formerly Invitae), Labcorp
Classification: Uncertain significance. Last evaluated: 2025-09-29. Review status: criteria provided, single submitter. Criteria: Invitae Variant Classification Sherloc (09022015). Collection method: clinical testing. Allele origin: germline.
Comment: This sequence change replaces valine, which is neutral and non-polar, with methionine, which is neutral and non-polar, at codon 78 of the RP1L1 protein (p.Val78Met). This variant is present in population databases (rs761728595, gnomAD 0.003%). This variant has not been reported in the literature in individuals affected with RP1L1-related conditions. ClinVar contains an entry for this variant (Variation ID: 1474258). Invitae Evidence Modeling of protein sequence and biophysical properties (such as structural, functional, and spatial information, amino acid conservation, physicochemical variation, residue mobility, and thermodynamic stability) has been performed for this missense variant. However, the output from this modeling did not meet the statistical confidence thresholds required to predict the impact of this variant on RP1L1 protein function. In summary, the available evidence is currently insufficient to determine the role of this variant in disease. Therefore, it has been classified as a Variant of Uncertain Significance.

NM_178857.6(RP1L1):c.232G>A (p.Val78Met)

Gene: RP1L1 (RP1 like 1). Cytogenetic location: 8p23.1.
Variant type: single nucleotide variant.
Coding change: c.232G>A on transcript NM_178857.6 (MANE Select); coding-DNA position 232, G replaced by A.
Protein change: p.Val78Met; replaces valine 78 with methionine.
Molecular consequence: missense variant.
Genome position (GRCh38, 1-based): chr8:10,622,970, C>T on the plus strand (G>A on the coding strand, the complement: RP1L1 is on the minus strand). VCF-style: chr8-10622970-C-T. GRCh37 (hg19) VCF-style: chr8-10480480-C-T.
Other names: short protein forms V78M.
Identifiers: ClinVar variation 1474258 (VCV001474258.8), dbSNP rs761728595, ClinGen allele CA4625806.